The following is an entry in ClinVar:

NM_015512.5(DNAH1):c.9247G>C (p.Glu3083Gln)

Gene: DNAH1 (dynein axonemal heavy chain 1; plus strand). Cytogenetic location: 3p21.1.
Variant type: single nucleotide variant.
Coding change: c.9247G>C on transcript NM_015512.5 (MANE Select); coding-DNA position 9247, G replaced by C.
Protein change: p.Glu3083Gln; replaces glutamic acid 3083 with glutamine.
Molecular consequence: missense variant.
Genome position (GRCh38, 1-based): chr3:52,388,493, G>C. VCF-style: chr3-52388493-G-C. GRCh37 (hg19) VCF-style: chr3-52422509-G-C.
Other names: short protein forms E3083Q.
Identifiers: ClinVar variation 3376091 (VCV003376091.1).

ClinVar aggregate classification (germline): Uncertain significance (1 of 4 stars; one submission).

Submission:

GeneDx
Classification: Uncertain significance. Last evaluated: 2024-05-04. Review status: criteria provided, single submitter. Criteria: GeneDx Variant Classification Process June 2021. Collection method: clinical testing. Allele origin: germline. Affected: yes.
Comment: Not observed at significant frequency in large population cohorts (gnomAD); In silico analysis indicates that this missense variant does not alter protein structure/function; Has not been previously published as pathogenic or benign to our knowledge